The following is an entry in ClinVar:

NM_000317.3(PTS):c.338A>G (p.Tyr113Cys)

Gene: PTS (6-pyruvoyltetrahydropterin synthase; plus strand). Cytogenetic location: 11q23.1.
Variant type: single nucleotide variant.
Coding change: c.338A>G on transcript NM_000317.3 (MANE Select); coding-DNA position 338, A replaced by G.
Protein change: p.Tyr113Cys; replaces tyrosine 113 with cysteine.
Molecular consequence: missense variant.
Genome position (GRCh38, 1-based): chr11:112,233,455, A>G. VCF-style: chr11-112233455-A-G. GRCh37 (hg19) VCF-style: chr11-112104178-A-G.
Other names: short protein forms Y113C.
Identifiers: ClinVar variation 553103 (VCV000553103.21), dbSNP rs762894736, ClinGen allele CA6278587.

ClinVar aggregate classification (germline): Conflicting classifications of pathogenicity. Review status: criteria provided, conflicting classifications (1 of 4 stars). 8 submissions from 8 submitters: Pathogenic (1); Likely pathogenic (3); Uncertain significance (3). 1 of the submissions does not count toward it. Last evaluated 2025-10-31.

Conditions:
Inborn genetic diseases. Identifiers: MedGen C0950123, MeSH D030342.
6-Pyruvoyl-tetrahydrobiopterin synthase deficiency. Also called: 6-Pyruvoyltetrahydropterin Synthase Deficiency; PTS DEFICIENCY; HYPERPHENYLALANINEMIA, TETRAHYDROBIOPTERIN-DEFICIENT, DUE TO PTS DEFICIENCY; PTS-Related Tetrahydrobiopterin Deficiency; BH4-deficient hyperphenylalaninemia A; Hyperphenylalanemia, BH4-deficient, A. Identifiers: Orphanet 13, Orphanet 238583, MedGen C0878676, MONDO:0009863, OMIM 261640.

Allele frequency attached by ClinVar (database versions not stated): gnomAD exomes 0.00002 and 0.00003; TOPMed 0.00002; ExAC 0.00003; gnomAD 0.00003.
gnomAD v4.1: 33 of 1,612,668 alleles (0.002%); highest among the groups gnomAD compares: Admixed American, 0.005%; no homozygotes.

Submissions (8):

Natera, Inc.
Classification: Likely pathogenic for 6-Pyruvoyl-tetrahydrobiopterin synthase deficiency. Last evaluated: 2025-10-31. Review status: criteria provided, single submitter. Criteria: Natera Variant Classification Schema (03/2026). Collection method: clinical testing. Allele origin: germline.
Comment: The c.338A>G variant in PTS is a missense variant predicted to cause substitution of tyrosine to cysteine at amino acid 113. This variant is rare in the general population with a frequency below the threshold expected for the associated phenotype(s). This variant has been observed in one or more individuals affected with the associated recessive disease, as either homozygous or compound heterozygous with a second variant (PMID: 32651154, 16917893). This variant has been identified in one or more affected individuals with a phenotype highly consistent with the associated gene (PMID: 32651154). Computational prediction algorithms indicate this variant is likely to affect gene or protein function. Given the available evidence, this variant is classified as Likely Pathogenic.

Labcorp Genetics (formerly Invitae), Labcorp
Classification: Likely pathogenic for 6-Pyruvoyl-tetrahydrobiopterin synthase deficiency. Last evaluated: 2025-07-02. Review status: criteria provided, single submitter. Criteria: Invitae Variant Classification Sherloc (09022015). Collection method: clinical testing. Allele origin: germline.
Comment: This sequence change replaces tyrosine, which is neutral and polar, with cysteine, which is neutral and slightly polar, at codon 113 of the PTS protein (p.Tyr113Cys). This variant is present in population databases (rs762894736, gnomAD 0.009%). This missense change has been observed in individual(s) with 6-pyruvoyl-tetrahydropterin synthase (PTPS) deficiency and/or hyperkinetic movement disorders (PMID: 16917893, 22237589, 32651154, 36054588, 36313470). In at least one individual the data is consistent with being in trans (on the opposite chromosome) from a pathogenic variant. ClinVar contains an entry for this variant (Variation ID: 553103). An algorithm developed to predict the effect of missense changes on protein structure and function outputs the following: PolyPhen-2: "Possibly Damaging". The cysteine amino acid residue is found in multiple mammalian species, which suggests that this missense change does not adversely affect protein function. In summary, the currently available evidence indicates that the variant is pathogenic, but additional data are needed to prove that conclusively. Therefore, this variant has been classified as Likely Pathogenic.

Women's Health and Genetics/Laboratory Corporation of America, LabCorp
Classification: Likely pathogenic for 6-Pyruvoyl-tetrahydrobiopterin synthase deficiency. Last evaluated: 2022-04-14. Review status: criteria provided, single submitter. Criteria: LabCorp Variant Classification Summary - May 2015. Collection method: clinical testing. Allele origin: germline.
Comment: Variant summary: PTS c.338A>G (p.Tyr113Cys) results in a non-conservative amino acid change in the encoded protein sequence. Three of five in-silico tools predict a damaging effect of the variant on protein function. The variant allele was found at a frequency of 2.8e-05 in 250116 control chromosomes. c.338A>G has been reported in the literature in multiple individuals affected with 6-Pyruvoyl-Tetrahydropterin Synthase Deficiency or hyperphenylalaninemia. These data indicate that the variant is very likely to be associated with disease. To our knowledge, no experimental evidence demonstrating an impact on protein function has been reported. Four clinical diagnostic laboratories have submitted clinical-significance assessments for this variant to ClinVar after 2014 without evidence for independent evaluation (Pathogenic n=1, VUS n=3). Based on the evidence outlined above, the variant was classified as likely pathogenic.

Equipe Genetique des Anomalies du Developpement, Université de Bourgogne
Classification: Pathogenic for 6-Pyruvoyl-tetrahydrobiopterin synthase deficiency. Last evaluated: 2021-10-18. Review status: criteria provided, single submitter. Criteria: ACMG Guidelines, 2015. Collection method: clinical testing. Allele origin: maternal. Affected: yes.

Genome-Nilou Lab
Classification: Uncertain significance for 6-Pyruvoyl-tetrahydrobiopterin synthase deficiency. Last evaluated: 2021-09-05. Review status: criteria provided, single submitter. Criteria: ACMG Guidelines, 2015. Collection method: clinical testing. Allele origin: germline. Affected: no.

Blueprint Genetics
Classification: Uncertain significance. Last evaluated: 2021-07-22. Review status: criteria provided, single submitter. Criteria: ACMG Guidelines, 2015. Collection method: clinical testing. Allele origin: germline.

Ambry Genetics
Classification: Uncertain significance for Inborn genetic diseases. Last evaluated: 2021-01-15. Review status: criteria provided, single submitter. Criteria: Ambry Variant Classification Scheme 2023. Collection method: clinical testing. Allele origin: germline.

Counsyl
Classification: Uncertain significance for 6-Pyruvoyl-tetrahydrobiopterin synthase deficiency. Last evaluated: 2017-08-01. Review status: no assertion criteria provided. Collection method: clinical testing. Allele origin: unknown. Not counted in ClinVar's aggregate classification.

Literature cited by the submitters: PubMed 32651154 (cited by 3 submitters); PubMed 16917893 (cited by 4 submitters); PubMed 22237589 (cited by Labcorp Genetics (formerly Invitae), Labcorp and Counsyl); PubMed 36054588 (cited by Labcorp Genetics (formerly Invitae), Labcorp); PubMed 36313470 (cited by Labcorp Genetics (formerly Invitae), Labcorp).